The following is an entry in ClinVar:

ClinVar aggregate classification (germline): Uncertain significance. Review status: criteria provided, multiple submitters, no conflicts (2 of 4 stars). 2 submissions from 2 submitters: Uncertain significance (2). Last evaluated 2018-11-19.

Conditions:
Charcot-Marie-Tooth disease type 2. Also called: Charcot-Marie-Tooth type 2. Identifiers: Orphanet 64746, MedGen C0270914, MONDO:0018993.

Allele frequency attached by ClinVar (database versions not stated): ExAC 0.00001; gnomAD 0.00001; 1000 Genomes Project 30x 0.00031; gnomAD exomes 0.00001 and 0.00002.

Submissions (2):

Center for Personalized Medicine, Children's Hospital Los Angeles
Classification: Uncertain significance. Last evaluated: 2018-11-19. Review status: criteria provided, single submitter. Criteria: ACMG Guidelines, 2015. Collection method: clinical testing. Allele origin: germline. Affected: yes.

Labcorp Genetics (formerly Invitae), Labcorp
Classification: Uncertain significance for Charcot-Marie-Tooth disease type 2. Last evaluated: 2016-07-16. Review status: criteria provided, single submitter. Criteria: Invitae Variant Classification Sherloc (09022015). Collection method: clinical testing. Allele origin: germline.
Comment: The current clinical and genetic evidence is not sufficient to establish whether this type of variant in MED25 causes disease. Therefore, this variant has been classified as a Variant of Uncertain Significance. This variant is present in population databases at a very low frequency (rs763039409, ExAC 0.01%) but has not been reported in the literature in individuals with a MED25-related disease. This sequence change deletes 2 nucleotide from exon 16 of the MED25 mRNA (c.1778_1779delAG), causing a frameshift at codon 593. This creates a new reading frame which does not encounter a premature termination codon, but is expected to result in disrupted protein product.

NM_030973.4(MED25):c.1778_1779del (p.Gln593fs)

Gene: MED25 (mediator complex subunit 25; plus strand). Cytogenetic location: 19q13.33.
Variant type: Deletion.
Coding change: c.1778_1779del on transcript NM_030973.4 (MANE Select); coding-DNA positions 1778 to 1779, 2 bases deleted (AG; older notation c.1778_1779delAG).
Protein change: p.Gln593fs; shifts the reading frame from glutamine 593.
Molecular consequence: frameshift variant.
Genome position (GRCh38, 1-based): chr19:49,835,758-49,835,759, AG deleted. VCF-style (leftmost placement, unchanged base first): chr19-49835757-CAG-C. GRCh37 (hg19) VCF-style: chr19-50339014-CAG-C.
Other names: c.1778_1779delAG (NM_030973.3); c.1778_1779del, p.Gln593fs (NM_001378355.1); short protein forms Q593fs.
Identifiers: ClinVar variation 409952 (VCV000409952.10), dbSNP rs763039409, ClinGen allele CA9585378.